The following is an entry in ClinVar:

ClinVar aggregate classification (germline): Uncertain significance (1 of 4 stars; one submission).

Submission:

GeneDx
Classification: Uncertain significance. Last evaluated: 2024-05-29. Review status: criteria provided, single submitter. Criteria: GeneDx Variant Classification Process June 2021. Collection method: clinical testing. Allele origin: germline. Affected: yes.
Comment: Not observed at significant frequency in large population cohorts (gnomAD); This substitution is predicted to be in the cytoplasmic loop between the second and third homologous domains; In silico analysis indicates that this missense variant does not alter protein structure/function; Has not been previously published as pathogenic or benign to our knowledge

NM_001165963.4(SCN1A):c.3599G>C (p.Arg1200Thr)

Genes: SCN1A (sodium voltage-gated channel alpha subunit 1; minus strand), LOC102724058 (uncharacterized LOC102724058; plus strand). Cytogenetic location: 2q24.3.
Variant type: single nucleotide variant.
Coding change: c.3599G>C on transcript NM_001165963.4 (MANE Select); coding-DNA position 3599, G replaced by C.
Protein change: p.Arg1200Thr; replaces arginine 1200 with threonine.
Molecular consequence: missense variant. On other transcripts: non-coding transcript variant (1).
Genome position (GRCh38, 1-based): chr2:166,013,850, C>G on the plus strand (G>C on the coding strand, the complement: SCN1A is on the minus strand). VCF-style: chr2-166013850-C-G. GRCh37 (hg19) VCF-style: chr2-166870360-C-G.
Other names: c.3515G>C, p.Arg1172Thr (NM_001165964.3, NM_001353957.2, NM_001353958.2); c.3599G>C, p.Arg1200Thr (NM_001202435.3, NM_001353948.2); c.3566G>C, p.Arg1189Thr (NM_001353949.2, NM_001353950.2, NM_001353951.2 and 2 more transcripts); c.3563G>C, p.Arg1188Thr (NM_001353954.2, NM_001353955.2); c.3512G>C, p.Arg1171Thr (NM_001353960.2); c.1157G>C, p.Arg386Thr (NM_001353961.2); short protein forms R1171T, R1172T, R1188T, R1189T, R1200T, R386T.
Identifiers: ClinVar variation 3383711 (VCV003383711.1).